The following is an entry in ClinVar:

NC_000003.11:g.(186384004_186386723)_(186396024_?)del

Gene: HRG (histidine rich glycoprotein; plus strand). Cytogenetic location: 3q27.3.
Variant type: Deletion.
Identifiers: ClinVar variation 3895853 (VCV003895853.1).

ClinVar aggregate classification (germline): Uncertain significance (1 of 4 stars; one submission).

Submission:

Women's Health and Genetics/Laboratory Corporation of America, LabCorp
Classification: Uncertain significance. Last evaluated: 2025-03-03. Review status: criteria provided, single submitter. Criteria: LabCorp Variant Classification Summary - May 2015. Collection method: clinical testing. Allele origin: germline.
Comment: Variant summary: The variant involves the deletion of exons 2-7 in the HRG gene. A presumed nomenclature of c.(183+1_184-1)_(*352_?)del has been designated for the purposes of this classification. The exact breakpoint at the distal 3' end of this variant is unknown, therefore this deletion may extend downstream of the annotated region of the gene. As it encompasses the termination codon, it is predicted to escape nonsense mediated decay (NMD). Current evidence is not sufficient to establish loss of function as a mechanism for disease. The variant allele was found at a frequency of 4.6e-05 in 21694 control chromosomes. The available data on variant occurrences in the general population are insufficient to allow any conclusion about variant significance. To our knowledge, no occurrence of c.(183+1_184-1)_(*352_?)del in individuals affected with Hereditary Thrombophilia Due To Congenital Histidine-Rich (poly-L) Glycoprotein Deficiency and no experimental evidence demonstrating its impact on protein function have been reported. ClinVar contains an entry for this variant (Variation ID: 394646). Based on the evidence outlined above, the variant was classified as uncertain significance.